The following is an entry in ClinVar:

ClinVar aggregate classification (germline): Likely benign (1 of 4 stars; one submission).

Submission:

CeGaT Center for Human Genetics Tuebingen
Classification: Likely benign. Last evaluated: 2025-12-01. Review status: criteria provided, single submitter. Criteria: CeGaT Center For Human Genetics Tuebingen Variant Classification Criteria Version 2. Collection method: clinical testing. Allele origin: germline. Affected: yes. Observed: 1 variant allele.
Comment: DDB1: BP4, BP7

NM_001923.5(DDB1):c.3270C>T (p.Asp1090=)

Genes: DDB1 (damage specific DNA binding protein 1; minus strand), LOC126861224 (MED14-independent group 3 enhancer GRCh37_chr11:61067594-61068793; plus strand). Cytogenetic location: 11q12.2.
Variant type: single nucleotide variant.
Coding change: c.3270C>T on transcript NM_001923.5 (MANE Select); coding-DNA position 3270, C replaced by T.
Protein change: p.Asp1090=; no amino-acid change (aspartic acid 1090 retained).
Molecular consequence: synonymous variant.
Genome position (GRCh38, 1-based): chr11:61,300,878, G>A on the plus strand (C>T on the coding strand, the complement: DDB1 is on the minus strand). VCF-style: chr11-61300878-G-A. GRCh37 (hg19) VCF-style: chr11-61068350-G-A.
Identifiers: ClinVar variation 4681528 (VCV004681528.5).
Genomic context (GRCh38, chr11:61,300,878, plus strand): 5'-TGCCACCACCTCCTGCATCTTGGGGCGGCTAATATCCAGGAAACTCTCAATCAAGTCACC[G>A]TCGATGAAACCTGTGGCTGGTTCTGTCTTCCGCTCGGTGTGAAAGGATCTCCAGGTGGAT-3'
Protein context (NP_001914.3, residues 1080-1100): RKTEPATGFI[Asp1090=]GDLIESFLDI